The following is an entry in ClinVar:

NM_002693.3(POLG):c.352G>T (p.Val118Leu)

Genes: POLG (DNA polymerase gamma, catalytic subunit; minus strand), POLGARF (POLG alternative reading frame; minus strand). Cytogenetic location: 15q26.1.
Variant type: single nucleotide variant.
Coding change: c.352G>T on transcript NM_002693.3 (MANE Select); coding-DNA position 352, G replaced by T.
Protein change: p.Val118Leu; replaces valine 118 with leucine.
Molecular consequence: missense variant.
Genome position (GRCh38, 1-based): chr15:89,333,403, C>A on the plus strand (G>T on the coding strand, the complement: POLG is on the minus strand). VCF-style: chr15-89333403-C-A. GRCh37 (hg19) VCF-style: chr15-89876634-C-A.
Other names: c.352G>T, p.Val118Leu (NM_001126131.2); short protein forms V118L.
Identifiers: ClinVar variation 2011444 (VCV002011444.6), dbSNP rs778608349, ClinGen allele CA393772423.
Genomic context (GRCh38, chr15:89,333,403, plus strand): 5'-GCTGGTCCAGGTTGTCCCCGTAGAGGGGCGGCAGGCGCAGCTCCACGTCGGGCAAGGGCA[C>A]GGCTGGCTGCCCCCAGAGCCCGTGCTTCTGCAGGTGCTCGACGCTGCGGCGCACCGCGGC-3'
Protein context (NP_002684.1, residues 108-128): QKHGLWGQPA[Val118Leu]PLPDVELRLP

ClinVar aggregate classification (germline): Uncertain significance. Review status: criteria provided, multiple submitters, no conflicts (2 of 4 stars). 2 submissions from 2 submitters: Uncertain significance (2). Last evaluated 2026-01-11.

Conditions:
Progressive sclerosing poliodystrophy (MTDPS4A). Also called: ALPERS PROGRESSIVE INFANTILE POLIODYSTROPHY; NEURONAL DEGENERATION OF CHILDHOOD WITH LIVER DISEASE, PROGRESSIVE; Alpers Syndrome; ALPERS DIFFUSE DEGENERATION OF CEREBRAL GRAY MATTER WITH HEPATIC CIRRHOSIS; Alpers-Huttenlocher Syndrome; Mitochondrial DNA depletion syndrome 4A (Alpers type). Identifiers: Orphanet 726, MedGen C0205710, MONDO:0008758, OMIM 203700.

gnomAD v4.1: 1 of 1,600,940 alleles (0.000062%); highest among the groups gnomAD compares: South Asian, 0.0011%; no homozygotes.

Submissions (2):

Labcorp Genetics (formerly Invitae), Labcorp
Classification: Uncertain significance for Progressive sclerosing poliodystrophy. Last evaluated: 2026-01-11. Review status: criteria provided, single submitter. Criteria: Invitae Variant Classification Sherloc (09022015). Collection method: clinical testing. Allele origin: germline.
Comment: This sequence change replaces valine, which is neutral and non-polar, with leucine, which is neutral and non-polar, at codon 118 of the POLG protein (p.Val118Leu). This variant is not present in population databases (gnomAD no frequency). This variant has not been reported in the literature in individuals affected with POLG-related conditions. ClinVar contains an entry for this variant (Variation ID: 2011444). Invitae Evidence Modeling of protein sequence and biophysical properties (such as structural, functional, and spatial information, amino acid conservation, physicochemical variation, residue mobility, and thermodynamic stability) indicates that this missense variant is not expected to disrupt POLG protein function with a negative predictive value of 95%. In summary, the available evidence is currently insufficient to determine the role of this variant in disease. Therefore, it has been classified as a Variant of Uncertain Significance.

Dasa
Classification: Uncertain significance. Last evaluated: 2025-10-15. Review status: criteria provided, single submitter. Criteria: DASA Assertion Criteria. Collection method: clinical testing. Allele origin: germline.
Comment: NM_002693.3(POLG):c.352G>T (p.Val118Leu) is a missense variant that results in the substitution of valine with leucine. This variant is rare in population databases. The currently available literature and clinical evidence are not sufficient to establish a definitive association between this variant and the reported condition. Therefore, this variant is classified as a variant of uncertain significance.